The following is an entry in ClinVar:

ClinVar aggregate classification (germline): Uncertain significance. Review status: criteria provided, multiple submitters, no conflicts (2 of 4 stars). 3 submissions from 3 submitters: Uncertain significance (3). Last evaluated 2025-05-19.

Conditions:
Fanconi anemia complementation group F. Also called: FANCF-Related Fanconi Anemia. Identifiers: Orphanet 84, MedGen C3469526, MONDO:0011325, OMIM 603467.
Fanconi anemia (FA). Also called: Fanconi's anemia. Identifiers: Orphanet 84, MedGen C0015625, MeSH D005199, MONDO:0019391.

Allele frequency attached by ClinVar (database versions not stated): gnomAD 0.00001; gnomAD exomes below 0.00001; TOPMed 0.00001.
gnomAD v4.1: 3 of 1,613,980 alleles (0.00019%); highest among the groups gnomAD compares: Middle Eastern, 0.033%; no homozygotes.

Submissions (3):

Labcorp Genetics (formerly Invitae), Labcorp
Classification: Uncertain significance for Fanconi anemia. Last evaluated: 2025-05-19. Review status: criteria provided, single submitter. Criteria: Invitae Variant Classification Sherloc (09022015). Collection method: clinical testing. Allele origin: germline.
Comment: This sequence change replaces glutamic acid, which is acidic and polar, with lysine, which is basic and polar, at codon 194 of the FANCF protein (p.Glu194Lys). This variant is not present in population databases (gnomAD no frequency). This variant has not been reported in the literature in individuals affected with FANCF-related conditions. ClinVar contains an entry for this variant (Variation ID: 947547). Invitae Evidence Modeling of protein sequence and biophysical properties (such as structural, functional, and spatial information, amino acid conservation, physicochemical variation, residue mobility, and thermodynamic stability) has been performed for this missense variant. However, the output from this modeling did not meet the statistical confidence thresholds required to predict the impact of this variant on FANCF protein function. In summary, the available evidence is currently insufficient to determine the role of this variant in disease. Therefore, it has been classified as a Variant of Uncertain Significance.

Dasa
Classification: Uncertain significance. Last evaluated: 2025-05-15. Review status: criteria provided, single submitter. Criteria: DASA Assertion Criteria. Collection method: clinical testing. Allele origin: germline.
Comment: NM_022725.4(FANCF):c.580G>A (p.Glu194Lys) is a missense variant that results in the substitution of glutamic acid with lysine. This variant is rare in population databases. Computational prediction algorithms are consistent with a benign effect. The currently available literature and clinical evidence are not sufficient to establish a definitive association between this variant and the reported condition. Therefore, this variant is classified as a variant of uncertain significance.

Fulgent Genetics
Classification: Uncertain significance for Fanconi anemia complementation group F. Last evaluated: 2024-02-28. Review status: criteria provided, single submitter. Criteria: ACMG Guidelines, 2015. Collection method: clinical testing. Allele origin: germline.

NM_022725.4(FANCF):c.580G>A (p.Glu194Lys)

Gene: FANCF (FA complementation group F; minus strand). Cytogenetic location: 11p14.3.
Variant type: single nucleotide variant.
Coding change: c.580G>A on transcript NM_022725.4 (MANE Select); coding-DNA position 580, G replaced by A.
Protein change: p.Glu194Lys; replaces glutamic acid 194 with lysine.
Molecular consequence: missense variant.
Genome position (GRCh38, 1-based): chr11:22,625,231, C>T on the plus strand (G>A on the coding strand, the complement: FANCF is on the minus strand). VCF-style: chr11-22625231-C-T. GRCh37 (hg19) VCF-style: chr11-22646777-C-T.
Other names: short protein forms E194K.
Identifiers: ClinVar variation 947547 (VCV000947547.12), dbSNP rs893075597, ClinGen allele CA219086636.